The following is an entry in ClinVar:

NM_001256545.2(MEGF10):c.401A>G (p.Asn134Ser)

Gene: MEGF10 (multiple EGF like domains 10; plus strand). Cytogenetic location: 5q23.2.
Variant type: single nucleotide variant.
Coding change: c.401A>G on transcript NM_001256545.2 (MANE Select); coding-DNA position 401, A replaced by G.
Protein change: p.Asn134Ser; replaces asparagine 134 with serine.
Molecular consequence: missense variant.
Genome position (GRCh38, 1-based): chr5:127,369,991, A>G. VCF-style: chr5-127369991-A-G. GRCh37 (hg19) VCF-style: chr5-126705683-A-G.
Other names: c.401A>G, p.Asn134Ser (NM_001308119.2, NM_001308121.2, NM_032446.3); short protein forms N134S.
Identifiers: ClinVar variation 950872 (VCV000950872.18), dbSNP rs574376262, ClinGen allele CA3391258.
Genomic context (GRCh38, chr5:127,369,991, plus strand): 5'-TCCATGGTCGCTGTATTGCTCCAAACACCTGTCAGTGTGAGCCTGGCTGGGGAGGGACCA[A>G]CTGCTCCAGTGGTAAGTTTCCACCTGCTGTTGTCTGTCTCGGGATGTTTTTGCTGTAAGG-3'
Protein context (NP_001243474.1, residues 124-144): CQCEPGWGGT[Asn134Ser]CSSACDGDHW

ClinVar aggregate classification (germline): Uncertain significance. Review status: criteria provided, multiple submitters, no conflicts (2 of 4 stars). 3 submissions from 3 submitters: Uncertain significance (3). Last evaluated 2025-10-02.

Conditions:
Inborn genetic diseases. Identifiers: MedGen C0950123, MeSH D030342.
MEGF10-related myopathy (CMYO10A). Also called: Congenital myopathy 10A, severe variant. Identifiers: Orphanet 439212, MedGen C3280679, MONDO:0013731, OMIM 614399.

Allele frequency attached by ClinVar (database versions not stated): ExAC 0.00012; gnomAD 0.00013; TOPMed 0.00015; 1000 Genomes Project 30x 0.00016; gnomAD exomes 0.00016 and 0.00019; 1000 Genomes Project 0.00020.
gnomAD v4.1: 293 of 1,612,660 alleles (0.018%); highest among the groups gnomAD compares: Middle Eastern, 0.05%; no homozygotes.

Submissions (3):

Labcorp Genetics (formerly Invitae), Labcorp
Classification: Uncertain significance for MEGF10-related myopathy. Last evaluated: 2025-10-02. Review status: criteria provided, single submitter. Criteria: Invitae Variant Classification Sherloc (09022015). Collection method: clinical testing. Allele origin: germline.
Comment: This sequence change replaces asparagine, which is neutral and polar, with serine, which is neutral and polar, at codon 134 of the MEGF10 protein (p.Asn134Ser). This variant is present in population databases (rs574376262, gnomAD 0.03%). This variant has not been reported in the literature in individuals affected with MEGF10-related conditions. ClinVar contains an entry for this variant (Variation ID: 950872). Invitae Evidence Modeling of protein sequence and biophysical properties (such as structural, functional, and spatial information, amino acid conservation, physicochemical variation, residue mobility, and thermodynamic stability) indicates that this missense variant is not expected to disrupt MEGF10 protein function with a negative predictive value of 80%. In summary, the available evidence is currently insufficient to determine the role of this variant in disease. Therefore, it has been classified as a Variant of Uncertain Significance.

Ambry Genetics
Classification: Uncertain significance for Inborn genetic diseases. Last evaluated: 2025-08-09. Review status: criteria provided, single submitter. Criteria: Ambry Variant Classification Scheme 2023. Collection method: clinical testing. Allele origin: germline.

GeneDx
Classification: Uncertain significance. Last evaluated: 2022-06-30. Review status: criteria provided, single submitter. Criteria: GeneDx Variant Classification Process June 2021. Collection method: clinical testing. Allele origin: germline. Affected: yes.
Comment: In silico analysis supports that this missense variant does not alter protein structure/function; Has not been previously published as pathogenic or benign to our knowledge